The following is an entry in ClinVar:

ClinVar aggregate classification (germline): Benign. Review status: criteria provided, multiple submitters, no conflicts (2 of 4 stars). 4 submissions from 4 submitters: Benign (3). 1 of the submissions does not count toward it. Last evaluated 2026-01-28.

Conditions:
AUTS2-related disorder. Also called: AUTS2-related condition.

Submissions (4):

Labcorp Genetics (formerly Invitae), Labcorp
Classification: Benign. Last evaluated: 2026-01-28. Review status: criteria provided, single submitter. Criteria: Invitae Variant Classification Sherloc (09022015). Collection method: clinical testing. Allele origin: germline.

GeneDx
Classification: Benign. Last evaluated: 2020-03-27. Review status: criteria provided, single submitter. Criteria: GeneDx Variant Classification Process June 2021. Collection method: clinical testing. Allele origin: germline. Affected: yes.

Center for Pediatric Genomic Medicine, Children's Mercy Hospital and Clinics
Classification: Benign. Last evaluated: 2017-06-05. Review status: criteria provided, single submitter. Criteria: ACMG Guidelines, 2015. Collection method: clinical testing. Allele origin: germline.

PreventionGenetics, part of Exact Sciences
Classification: Benign for AUTS2-related condition. Last evaluated: 2019-03-29. Review status: no assertion criteria provided. Collection method: clinical testing. Allele origin: germline. Not counted in ClinVar's aggregate classification.
Comment: This variant is classified as benign based on ACMG/AMP sequence variant interpretation guidelines (Richards et al. 2015 PMID: 25741868, with internal and published modifications).

NM_015570.4(AUTS2):c.3377ACC[10] (p.His1132_His1133dup)

Gene: AUTS2 (activator of transcription and developmental regulator AUTS2; plus strand). Cytogenetic location: 7q11.22.
Variant type: Microsatellite.
Coding change: c.3377ACC[10] on transcript NM_015570.4 (MANE Select); ten copies in a row of the 3-base unit ACC starting at c.3377; the reference has eight copies in a row; two copies, 6 bases duplicated.
Protein change: p.His1132_His1133dup.
Molecular consequence: inframe insertion.
Genome position (GRCh38, 1-based): chr7:70,790,611-70,790,616, ACCACC duplicated; duplicating any 6 consecutive bases within chr7:70,790,591-70,790,616 gives the same sequence; the position shown is the placement nearest the transcript's 3' end. VCF-style (leftmost placement, unchanged base first): chr7-70790590-G-GCCACCA. GRCh37 (hg19) VCF-style: chr7-70255576-G-GCCACCA.
Other names: c.3305ACC[10], p.His1108_His1109dup (NM_001127231.3); c.3395_3400dup6 (NM_015570.3).
Identifiers: ClinVar variation 445607 (VCV000445607.15), dbSNP rs538005366, ClinGen allele CA4281317.
Genomic context (GRCh38, chr7:70,790,590, plus strand): 5'-CGACTCCCCGGCTGTACGAAGCCGACCGCTCCTTCAGGGACCGGGAGCCTCACGACTACA[G>GCCACCA]CCACCACCACCACCACCACCACCACCCGCTGTCTGTGGACCCTCGGCGGGAGCACGAGCG-3'